The following is an entry in ClinVar:

ClinVar aggregate classification (germline): Pathogenic (1 of 4 stars; one submission).

Conditions:
Fanconi anemia complementation group E (FANCE). Also called: FANCE-Related Fanconi Anemia. Identifiers: Orphanet 84, MedGen C3160739, MONDO:0010953, OMIM 600901.

Submission:

Labcorp Genetics (formerly Invitae), Labcorp
Classification: Pathogenic for Fanconi anemia complementation group E. Last evaluated: 2023-10-03. Review status: criteria provided, single submitter. Criteria: Invitae Variant Classification Sherloc (09022015). Collection method: clinical testing. Allele origin: germline.
Comment: This sequence change creates a premature translational stop signal (p.Gln323*) in the FANCE gene. It is expected to result in an absent or disrupted protein product. Loss-of-function variants in FANCE are known to be pathogenic (PMID: 11001585, 17924555). This variant is not present in population databases (gnomAD no frequency). This variant has not been reported in the literature in individuals affected with FANCE-related conditions. ClinVar contains an entry for this variant (Variation ID: 963477). For these reasons, this variant has been classified as Pathogenic.

Literature cited by the submitters: PubMed 11001585; PubMed 17924555.

NM_021922.3(FANCE):c.967C>T (p.Gln323Ter)

Gene: FANCE (FA complementation group E; plus strand). Cytogenetic location: 6p21.31.
Variant type: single nucleotide variant.
Coding change: c.967C>T on transcript NM_021922.3 (MANE Select); coding-DNA position 967, C replaced by T.
Protein change: p.Gln323Ter; replaces glutamine 323 with a stop codon.
Molecular consequence: nonsense.
Genome position (GRCh38, 1-based): chr6:35,457,982, C>T. VCF-style: chr6-35457982-C-T. GRCh37 (hg19) VCF-style: chr6-35425759-C-T.
Other names: short protein forms Q323*.
Identifiers: ClinVar variation 963477 (VCV000963477.7), dbSNP rs1767417868, ClinGen allele CA363775010.